The following is an entry in ClinVar:

ClinVar aggregate classification (germline): Uncertain significance (1 of 4 stars; one submission).

Allele frequency attached by ClinVar (database versions not stated): gnomAD 0.00001; gnomAD exomes 0.00001; TOPMed 0.00001.
gnomAD v4.1: 12 of 1,209,088 alleles (0.00099%); highest among the groups gnomAD compares: South Asian, 0.0035%; no homozygotes.

Submission:

Women's Health and Genetics/Laboratory Corporation of America, LabCorp
Classification: Uncertain significance. Last evaluated: 2023-08-03. Review status: criteria provided, single submitter. Criteria: LabCorp Variant Classification Summary - May 2015. Collection method: clinical testing. Allele origin: germline.
Comment: Variant summary: ABCB7 c.1774A>G (p.Ile592Val) results in a conservative amino acid change located in the ABC transporter-like, ATP-binding domain (IPR003439) of the encoded protein sequence. Three of five in-silico tools predict a damaging effect of the variant on protein function. The variant was absent in 182829 control chromosomes (gnomAD). The available data on variant occurrences in the general population are insufficient to allow any conclusion about variant significance. To our knowledge, no occurrence of c.1774A>G in individuals affected with X-Linked Sideroblastic Anemia With Ataxia and no experimental evidence demonstrating its impact on protein function have been reported. No submitters have cited clinical-significance assessments for this variant to ClinVar after 2014. Based on the evidence outlined above, the variant was classified as uncertain significance.

NM_001271696.3(ABCB7):c.1771A>G (p.Ile591Val)

Gene: ABCB7 (ATP binding cassette subfamily B member 7; minus strand). Cytogenetic location: Xq13.3.
Variant type: single nucleotide variant.
Coding change: c.1771A>G on transcript NM_001271696.3 (MANE Select); coding-DNA position 1771, A replaced by G.
Protein change: p.Ile591Val; replaces isoleucine 591 with valine.
Molecular consequence: missense variant.
Genome position (GRCh38, 1-based): chrX:75,065,130, T>C on the plus strand (A>G on the coding strand, the complement: ABCB7 is on the minus strand). VCF-style: chrX-75065130-T-C. GRCh37 (hg19) VCF-style: chrX-74284965-T-C.
Other names: c.1651A>G, p.Ile551Val (NM_001271697.3); c.1693A>G, p.Ile565Val (NM_001271698.3); c.1654A>G, p.Ile552Val (NM_001271699.3); c.1774A>G, p.Ile592Val (NM_004299.6); short protein forms I551V, I552V, I565V, I591V, I592V.
Identifiers: ClinVar variation 2581356 (VCV002581356.1), dbSNP rs2081308033, ClinGen allele CA413674939.
Genomic context (GRCh38, chrX:75,065,130, plus strand): 5'-CTGAAAGCTTGAGTCCTCGTTCCCCTACTTGGGTGTCATATCCATGTGGCATTCGAAGAA[T>C]TGCATCATGAAGTCCAGCTAATTTTGCCACTGCATACACTTCCTCAGGTGAAGCACTGAT-3'
Protein context (NP_001258625.1, residues 581-601): VAKLAGLHDA[Ile591Val]LRMPHGYDTQ